The following is an entry in ClinVar:

ClinVar aggregate classification (germline): Uncertain significance (1 of 4 stars; one submission).

Submission:

GeneDx
Classification: Uncertain significance. Last evaluated: 2016-09-01. Review status: criteria provided, single submitter. Criteria: GeneDx Variant Classification (06012015). Collection method: clinical testing. Allele origin: germline. Affected: yes.
Comment: The c.1810_1812delGAG variant in the CACNA1G gene has not been reported previously as a pathogenic variant, nor as a benign variant, to our knowledge. The c.1810_1812delGAG variant results in an in-frame, 3 base pair deletion, causing the loss of a single Glutamic acid residue at position 604 in the protein, denoted as p.Glu604del. In-frame deletions frequently impact the resultant protein as missense changes do. Missense variants and an one in-frame deletion have been reported in the Human Gene Mutation Database in association with CACNA1G-related disorders (Stenson et al., 2014). The c.1810_1812delGAG variant was not observed in approximately 6300 individuals of European and African American ancestry in the NHLBI Exome Sequencing Project, indicating it is not a common benign variant in these populations. We interpret c.1810_1812delGAG as a variant of uncertain significance.

NM_018896.5(CACNA1G):c.1810_1812del (p.Glu604del)

Gene: CACNA1G (calcium voltage-gated channel subunit alpha1 G; plus strand). Cytogenetic location: 17q21.33.
Variant type: Deletion.
Coding change: c.1810_1812del on transcript NM_018896.5 (MANE Select); coding-DNA positions 1810 to 1812, 3 bases deleted (GAG; older notation c.1810_1812delGAG).
Protein change: p.Glu604del; deletes glutamic acid 604.
Molecular consequence: inframe deletion. On other transcripts: non-coding transcript variant (5).
Genome position (GRCh38, 1-based): chr17:50,576,212-50,576,214, GAG deleted; deleting any 3 consecutive bases within chr17:50,576,210-50,576,214 gives the same sequence; the c. name uses the placement nearest the transcript's 3' end. VCF-style (leftmost placement, unchanged base first): chr17-50576209-AAGG-A. GRCh37 (hg19) VCF-style: chr17-48653570-AAGG-A.
Other names: c.1810_1812del, p.Glu604del (NM_001256324.2, NM_001256325.2, NM_001256326.2 and 24 more transcripts); short protein forms E604del.
Identifiers: ClinVar variation 422082 (VCV000422082.2), dbSNP rs1064795544, ClinGen allele CA16620478.
Genomic context (GRCh38, chr17:50,576,209, plus strand): 5'-ACTGTGGGCAGCGGGAAGGTGTATCCCACCGTGCACACCAGCCCTCCACCGGAGACGCTG[AAGG>A]AGAAGGCACTAGTAGAGGTGGCTGCCAGCTCTGGGCCCCCAACCCTCACCAGCCTCAACA-3'